The following is an entry in ClinVar:

ClinVar aggregate classification (germline): Likely benign (1 of 4 stars; one submission).

Conditions:
Lynch syndrome 4 (LYNCH4). Also called: Colorectal cancer, hereditary nonpolyposis, type 4; Hereditary non-polyposis colorectal cancer, type 4. Identifiers: Orphanet 144, MedGen C1838333, MONDO:0013699, OMIM 614337. Disease mechanism: loss of function.

Submission:

Myriad Genetics, Inc.
Classification: Likely benign for Lynch syndrome 4. Last evaluated: 2025-01-29. Review status: criteria provided, single submitter. Criteria: Myriad Autosomal Dominant, Autosomal Recessive and X-Linked Classification Criteria (2023). Collection method: clinical testing. Allele origin: unknown.
Comment: This variant is considered likely benign. This variant is intronic and is not expected to impact mRNA splicing.

NM_000535.7(PMS2):c.904-15T>C

Gene: PMS2 (PMS1 homolog 2, mismatch repair system component; minus strand). Cytogenetic location: 7p22.1.
Variant type: single nucleotide variant.
Coding change: c.904-15T>C on transcript NM_000535.7 (MANE Select); 15 bases into the intron before coding-DNA position 904, T replaced by C.
Molecular consequence: intron variant.
Genome position (GRCh38, 1-based): chr7:5,992,072, A>G on the plus strand (T>C on the coding strand, the complement: PMS2 is on the minus strand). VCF-style: chr7-5992072-A-G. GRCh37 (hg19) VCF-style: chr7-6031703-A-G.
Other names: c.586-15T>C (NM_001322008.2, NM_001406902.1, NM_001406883.1 and 4 more transcripts); c.595-15T>C (NM_001406881.1, NM_001406879.1, NM_001322015.2 and 6 more transcripts); c.499-15T>C (NM_001406895.1, NM_001322010.2, NM_001322004.2 and 19 more transcripts); c.133-15T>C (NM_001406911.1); c.391-15T>C (NM_001406904.1, NM_001406905.1); c.331-15T>C (NM_001322013.2, NM_001406909.1); c.-30-15T>C (NM_001322012.2, NM_001322011.2); c.568-15T>C (NM_001406885.1); and 8 more.
Identifiers: ClinVar variation 3904771 (VCV003904771.1).